The following is an entry in ClinVar:

ClinVar aggregate classification (germline): Likely benign (1 of 4 stars; one submission).

Conditions:
RPS3A-related condition.

Submission:

PreventionGenetics, part of Exact Sciences
Classification: Likely benign for RPS3A-related condition. Last evaluated: 2026-02-16. Review status: criteria provided, single submitter. Criteria: ACMG Guidelines, 2015. Collection method: clinical testing. Allele origin: germline.
Comment: This variant is classified as likely benign based on ACMG/AMP sequence variant interpretation guidelines (Richards et al. 2015 PMID: 25741868, with internal and published modifications).

NM_001006.5(RPS3A):c.674-10del

Gene: RPS3A (ribosomal protein S3A; plus strand). Cytogenetic location: 4q31.3.
Variant type: Deletion.
Coding change: c.674-10del on transcript NM_001006.5 (MANE Select); 10 bases into the intron before coding-DNA position 674, one base deleted (T; older notation c.674-10delT).
Molecular consequence: intron variant.
Genome position (GRCh38, 1-based): chr4:151,104,462, T deleted; the last of 23 consecutive T bases (chr4:151,104,440-151,104,462); deleting any one gives the same sequence. VCF-style (leftmost placement, unchanged base first): chr4-151104439-GT-G. GRCh37 (hg19) VCF-style: chr4-152025591-GT-G.
Identifiers: ClinVar variation 4977696 (VCV004977696.1).